The following is an entry in ClinVar:

ClinVar aggregate classification (germline): Uncertain significance (1 of 4 stars; one submission).

Submission:

GeneDx
Classification: Uncertain significance. Last evaluated: 2023-02-27. Review status: criteria provided, single submitter. Criteria: GeneDx Variant Classification Process June 2021. Collection method: clinical testing. Allele origin: germline. Affected: yes.
Comment: Not observed at significant frequency in large population cohorts (gnomAD); In silico analysis supports that this missense variant does not alter protein structure/function; Has not been previously published as pathogenic or benign to our knowledge

NM_001252102.2(KIF21B):c.4521C>G (p.Ile1507Met)

Gene: KIF21B (kinesin family member 21B; minus strand). Cytogenetic location: 1q32.1.
Variant type: single nucleotide variant.
Coding change: c.4521C>G on transcript NM_001252102.2 (MANE Select); coding-DNA position 4521, C replaced by G.
Protein change: p.Ile1507Met; replaces isoleucine 1507 with methionine.
Molecular consequence: missense variant.
Genome position (GRCh38, 1-based): chr1:200,975,592, G>C on the plus strand (C>G on the coding strand, the complement: KIF21B is on the minus strand). VCF-style: chr1-200975592-G-C. GRCh37 (hg19) VCF-style: chr1-200944720-G-C.
Other names: c.4521C>G, p.Ile1507Met (NM_001252100.2); c.4482C>G, p.Ile1494Met (NM_001252103.2, NM_017596.4); short protein forms I1494M, I1507M.
Identifiers: ClinVar variation 2577664 (VCV002577664.1), dbSNP rs267598287, ClinGen allele CA344115472.
Genomic context (GRCh38, chr1:200,975,592, plus strand): 5'-CTTGATGCCGTTATCTCGGGAGCCACTGAACAGGATGTCTCCCTGGATGGCGAGACACTC[G>C]ATGCCATCGTAGTGCGGGGGCTCGAAGTTGTGAGTGGGGCCGATGGTGCCCGTCACACAC-3'
Protein context (NP_001239031.1, residues 1497-1517): HNFEPPHYDG[Ile1507Met]ECLAIQGDIL